The following is an entry in ClinVar:

NM_001369.3(DNAH5):c.10209_10219del (p.Ala3404fs)

Gene: DNAH5 (dynein axonemal heavy chain 5; minus strand). Cytogenetic location: 5p15.2.
Variant type: Deletion.
Coding change: c.10209_10219del on transcript NM_001369.3 (MANE Select); coding-DNA positions 10209 to 10219, 11 bases deleted (AGCTGGTCTTT).
Protein change: p.Ala3404fs; shifts the reading frame from alanine 3404.
Molecular consequence: frameshift variant.
Genome position (GRCh38, 1-based): chr5:13,762,784-13,762,794, AAAGACCAGCT deleted on the plus strand (AGCTGGTCTTT on the coding strand, the reverse complement: DNAH5 is on the minus strand); deleting any 11 consecutive bases within chr5:13,762,784-13,762,795 gives the same sequence; the c. name uses the placement nearest the transcript's 3' end. VCF-style (leftmost placement, unchanged base first): chr5-13762783-CAAAGACCAGCT-C. GRCh37 (hg19) VCF-style: chr5-13762892-CAAAGACCAGCT-C.
Other names: short protein forms A3404fs.
Identifiers: ClinVar variation 5013776 (VCV005013776.1).
Genomic context (GRCh38, chr5:13,762,783, plus strand): 5'-TTCAGAGGCAGTACTTCTTTGTTTATAGAAAAGAAGGAAGCCATAGCTTTCGTCCAGGAA[CAAAGACCAGCT>C]ACATTTCCACATACGCGTTTAGCAGTTTCGATGTTATAGTCAGGCATTTCAAAGTAAGGA-3'

ClinVar aggregate classification (germline): Pathogenic (1 of 4 stars; one submission).

Conditions:
Primary ciliary dyskinesia 3. Identifiers: Orphanet 244, MedGen C1837618, MONDO:0012085, OMIM 608644.

Submission:

Myriad Genetics, Inc.
Classification: Pathogenic for Primary ciliary dyskinesia 3. Last evaluated: 2024-11-20. Review status: criteria provided, single submitter. Criteria: Myriad Autosomal Dominant, Autosomal Recessive and X-Linked Classification Criteria (2023). Collection method: clinical testing. Allele origin: unknown.
Comment: NM_001369.2(DNAH5):c.10209_10219del11(A3404Ffs*46) is expected to be pathogenic in the context of primary ciliary dyskinesia, DNAH5-related. This variant is predicted to lead to an abnormal or absent protein product due to the creation of a premature termination codon in DNAH5, a gene where loss-of-function variants are known to be pathogenic. Please note: this variant was assessed in the context of healthy population screening.